The following is an entry in ClinVar:

NM_024675.4(PALB2):c.2587-20A>T

Gene: PALB2 (partner and localizer of BRCA2; minus strand). Cytogenetic location: 16p12.2.
Variant type: single nucleotide variant.
Coding change: c.2587-20A>T on transcript NM_024675.4 (MANE Select); 20 bases into the intron before coding-DNA position 2587, A replaced by T.
Molecular consequence: intron variant.
Genome position (GRCh38, 1-based): chr16:23,626,417, T>A on the plus strand (A>T on the coding strand, the complement: PALB2 is on the minus strand). VCF-style: chr16-23626417-T-A. GRCh37 (hg19) VCF-style: chr16-23637738-T-A.
Other names: c.1702-20A>T (NM_001407308.1, NM_001407306.1, NM_001407309.1 and 4 more transcripts); c.121-20A>T (NM_001407314.1); c.799-20A>T (NM_001407313.1, NM_001407312.1); c.2527-20A>T (NM_001407296.1); c.2515-20A>T (NM_001407297.1); c.2587-2323A>T (NM_001407302.1, NM_001407298.1); c.2587-20A>T (NM_001407300.1, NM_001407299.1, NM_001407301.1); c.1702-2323A>T (NM_001407307.1).
Identifiers: ClinVar variation 3904078 (VCV003904078.1).

ClinVar aggregate classification (germline): Likely benign (1 of 4 stars; one submission).

Conditions:
Familial cancer of breast. Also called: Hereditary breast cancer; hereditary breast carcinoma; BREAST CANCER, FAMILIAL. Identifiers: Orphanet 227535, MedGen C0346153, MONDO:0016419, OMIM 114480. Disease mechanism: loss of function.

Submission:

Myriad Genetics, Inc.
Classification: Likely benign for Familial cancer of breast. Last evaluated: 2025-01-16. Review status: criteria provided, single submitter. Criteria: Myriad Autosomal Dominant, Autosomal Recessive and X-Linked Classification Criteria (2023). Collection method: clinical testing. Allele origin: unknown.
Comment: This variant is considered likely benign. This variant is intronic and is not expected to impact mRNA splicing.